The following is an entry in ClinVar:

ClinVar aggregate classification (germline): Pathogenic (1 of 4 stars; one submission).

Conditions:
Familial thoracic aortic aneurysm and aortic dissection (TAAD). Also called: Thoracic aortic aneurysms and dissections. Identifiers: Orphanet 91387, MedGen C4707243, MONDO:0019625.
Marfan syndrome (MFS). Also called: FBN1-Related Marfan Syndrome; Marfan syndrome type 1; Marfan's syndrome; Marfan syndrome, classic; MARFAN SYNDROME, TYPE I. Identifiers: Orphanet 284963, Orphanet 558, MedGen C0024796, MONDO:0007947, OMIM 154700.

Submission:

Labcorp Genetics (formerly Invitae), Labcorp
Classification: Pathogenic for Marfan syndrome; Familial thoracic aortic aneurysm and aortic dissection. Last evaluated: 2020-10-30. Review status: criteria provided, single submitter. Criteria: Invitae Variant Classification Sherloc (09022015). Collection method: clinical testing. Allele origin: germline.
Comment: This variant affects a cysteine residue in the EGF-like, TGFBP or hybrid motif domains FBN1. Cysteine residues are believed to be involved in intramolecular disulfide bridges and have been shown to be important for FBN1 protein structure (PMID: 16905551, 19349279). In addition, missense substitutions affecting cysteine residues within these domains are significantly overrepresented among patients with Marfan syndrome (PMID: 16571647, 17701892). For these reasons, this variant has been classified as Pathogenic. Algorithms developed to predict the effect of missense changes on protein structure and function are either unavailable or do not agree on the potential impact of this missense change (SIFT: "Deleterious"; PolyPhen-2: "Probably Damaging"; Align-GVGD: "Class C0"). This variant has been observed in an individual affected with Marfan syndrome (PMID: 27906200). A different variant at the same codon, p.Cys2646Arg, has also been reported in an individual with Marfan syndrome (PMID: 21542060). This variant is not present in population databases (ExAC no frequency). This sequence change replaces cysteine with tyrosine at codon 2646 of the FBN1 protein (p.Cys2646Tyr). The cysteine residue is highly conserved and there is a large physicochemical difference between cysteine and tyrosine.

Literature cited by the submitters: PubMed 16905551; PubMed 19349279; PubMed 16571647; PubMed 17701892; PubMed 27906200; PubMed 21542060.

NM_000138.5(FBN1):c.7937G>A (p.Cys2646Tyr)

Gene: FBN1 (fibrillin 1; minus strand). Cytogenetic location: 15q21.1.
Variant type: single nucleotide variant.
Coding change: c.7937G>A on transcript NM_000138.5 (MANE Select); coding-DNA position 7937, G replaced by A.
Protein change: p.Cys2646Tyr; replaces cysteine 2646 with tyrosine.
Molecular consequence: missense variant.
Genome position (GRCh38, 1-based): chr15:48,415,650, C>T on the plus strand (G>A on the coding strand, the complement: FBN1 is on the minus strand). VCF-style: chr15-48415650-C-T. GRCh37 (hg19) VCF-style: chr15-48707847-C-T.
Other names: short protein forms C2646Y.
Identifiers: ClinVar variation 653296 (VCV000653296.8), dbSNP rs1597509701, ClinGen allele CA392323061.